The following is an entry in ClinVar:

ClinVar aggregate classification (germline): Uncertain significance. Review status: criteria provided, multiple submitters, no conflicts (2 of 4 stars). 2 submissions from 2 submitters: Uncertain significance (2). Last evaluated 2025-06-04.

Conditions:
Cornelia de Lange syndrome 3 (CDLS3). Also called: SMC3-Related Cornelia de Lange Syndrome; CORNELIA DE LANGE SYNDROME 3 WITH OR WITHOUT MIDLINE BRAIN DEFECTS. Identifiers: Orphanet 199, MedGen C1853099, MONDO:0012555, OMIM 610759.

Submissions (2):

Labcorp Genetics (formerly Invitae), Labcorp
Classification: Uncertain significance for Cornelia de Lange syndrome 3. Last evaluated: 2025-06-04. Review status: criteria provided, single submitter. Criteria: Invitae Variant Classification Sherloc (09022015). Collection method: clinical testing. Allele origin: germline.
Comment: This variant, c.3212_3214del, results in the deletion of 1 amino acid(s) of the SMC3 protein (p.Gly1071del), but otherwise preserves the integrity of the reading frame. This variant is present in population databases (rs773760564, gnomAD 0.0009%). This variant has not been reported in the literature in individuals affected with SMC3-related conditions. ClinVar contains an entry for this variant (Variation ID: 2863548). Experimental studies and prediction algorithms are not available or were not evaluated, and the functional significance of this variant is currently unknown. In summary, the available evidence is currently insufficient to determine the role of this variant in disease. Therefore, it has been classified as a Variant of Uncertain Significance.

Blueprint Genetics
Classification: Uncertain significance. Last evaluated: 2021-01-13. Review status: criteria provided, single submitter. Criteria: ACMG Guidelines, 2015. Collection method: clinical testing. Allele origin: germline.

NM_005445.4(SMC3):c.3212_3214del (p.Gly1071del)

Gene: SMC3 (structural maintenance of chromosomes 3; plus strand). Cytogenetic location: 10q25.2.
Variant type: Deletion.
Coding change: c.3212_3214del on transcript NM_005445.4 (MANE Select); coding-DNA positions 3212 to 3214, 3 bases deleted (GAG; older notation c.3212_3214delGAG).
Protein change: p.Gly1071del; deletes glycine 1071.
Molecular consequence: inframe deletion.
Genome position (GRCh38, 1-based): chr10:110,602,580-110,602,582, GAG deleted; deleting any 3 consecutive bases within chr10:110,602,578-110,602,582 gives the same sequence; the c. name uses the placement nearest the transcript's 3' end. VCF-style (leftmost placement, unchanged base first): chr10-110602577-AAGG-A. GRCh37 (hg19) VCF-style: chr10-112362335-AAGG-A.
Other names: short protein forms G1071del.
Identifiers: ClinVar variation 2863548 (VCV002863548.4), dbSNP rs773760564, ClinGen allele CA5688370.